The following is an entry in ClinVar:

ClinVar aggregate classification (germline): Uncertain significance (1 of 4 stars; one submission).

gnomAD v4.1: 6 of 1,613,954 alleles (0.00037%); highest among the groups gnomAD compares: African/African-American, 0.0013%; no homozygotes.

Submission:

GeneDx
Classification: Uncertain significance. Last evaluated: 2024-09-30. Review status: criteria provided, single submitter. Criteria: GeneDx Variant Classification Process June 2021. Collection method: clinical testing. Allele origin: germline. Affected: yes.
Comment: Not observed at significant frequency in large population cohorts (gnomAD); In silico analysis indicates that this missense variant does not alter protein structure/function; Has not been previously published as pathogenic or benign to our knowledge

NM_201525.4(ADGRG1):c.458G>A (p.Ser153Asn)

Gene: ADGRG1 (adhesion G protein-coupled receptor G1; plus strand). Cytogenetic location: 16q21.
Variant type: single nucleotide variant.
Coding change: c.458G>A on transcript NM_201525.4 (MANE Select); coding-DNA position 458, G replaced by A.
Protein change: p.Ser153Asn; replaces serine 153 with asparagine.
Molecular consequence: missense variant. On other transcripts: 5 prime UTR variant (5), intron variant (1).
Genome position (GRCh38, 1-based): chr16:57,651,593, G>A. VCF-style: chr16-57651593-G-A. GRCh37 (hg19) VCF-style: chr16-57685505-G-A.
Other names: c.458G>A, p.Ser153Asn (NM_001145770.3, NM_001145771.3, NM_001145772.3 and 16 more transcripts); c.473G>A, p.Ser158Asn (NM_001145773.3, NM_001370433.1); c.-68G>A (NM_001290143.2, NM_001290144.2, NM_001370451.1 and 2 more transcripts); c.302G>A, p.Ser101Asn (NM_001370442.1); c.110+348G>A (NM_001290142.2); short protein forms S101N, S153N, S158N.
Identifiers: ClinVar variation 1695699 (VCV001695699.3), dbSNP rs781397735, ClinGen allele CA281572864.
Genomic context (GRCh38, chr16:57,651,593, plus strand): 5'-CCCCGCTGTTAGCCACTTCTGTCACCTCCTGGTGGAGCCCTCAGAACATCAGCCTGCCCA[G>A]TGCCGCCAGCTTCACCTTCTCCTTCCACAGTAAGGCAACTTCCAGGCGGAGGGAACAACT-3'
Protein context (NP_958933.1, residues 143-163): WWSPQNISLP[Ser153Asn]AASFTFSFHS